The following is an entry in ClinVar:

ClinVar aggregate classification (germline): Uncertain significance (1 of 4 stars; one submission).

Conditions:
SNX5-related condition.

gnomAD v4.1: 1 of 1,614,066 alleles (0.000062%); highest among the groups gnomAD compares: Non-Finnish European, 0.000085%; no homozygotes.

Submission:

PreventionGenetics, part of Exact Sciences
Classification: Uncertain significance for SNX5-related condition. Last evaluated: 2026-07-01. Review status: criteria provided, single submitter. Criteria: ACMG Guidelines, 2015. Collection method: clinical testing. Allele origin: germline.
Comment: The SNX5 c.338A>G variant is predicted to result in the amino acid substitution p.Glu113Gly. To our knowledge, this variant has not been reported in the literature or in a large population database (gnomAD), indicating this variant is rare. At this time, the clinical significance of this variant is uncertain due to the absence of conclusive functional and genetic evidence.

NM_014426.4(SNX5):c.338A>G (p.Glu113Gly)

Gene: SNX5 (sorting nexin 5; minus strand). Cytogenetic location: 20p11.23.
Variant type: single nucleotide variant.
Coding change: c.338A>G on transcript NM_014426.4 (MANE Select); coding-DNA position 338, A replaced by G.
Protein change: p.Glu113Gly; replaces glutamic acid 113 with glycine.
Molecular consequence: missense variant.
Genome position (GRCh38, 1-based): chr20:17,954,047, T>C on the plus strand (A>G on the coding strand, the complement: SNX5 is on the minus strand). VCF-style: chr20-17954047-T-C. GRCh37 (hg19) VCF-style: chr20-17934691-T-C.
Other names: c.23A>G, p.Glu8Gly (NM_001282454.2); c.338A>G, p.Glu113Gly (NM_152227.3); short protein forms E8G, E113G.
Identifiers: ClinVar variation 4993408 (VCV004993408.1).